The following is an entry in ClinVar:

NM_007325.5(GRIA3):c.965G>A (p.Arg322His)

Gene: GRIA3 (glutamate ionotropic receptor AMPA type subunit 3; plus strand). Cytogenetic location: Xq25.
Variant type: single nucleotide variant.
Coding change: c.965G>A on transcript NM_007325.5 (MANE Select); coding-DNA position 965, G replaced by A.
Protein change: p.Arg322His; replaces arginine 322 with histidine.
Molecular consequence: missense variant.
Genome position (GRCh38, 1-based): chrX:123,398,688, G>A. VCF-style: chrX-123398688-G-A. GRCh37 (hg19) VCF-style: chrX-122532539-G-A.
Other names: c.965G>A, p.Arg322His (NM_000828.5); short protein forms R322H.
Identifiers: ClinVar variation 1375056 (VCV001375056.6), dbSNP rs750202196, ClinGen allele CA10506993.

ClinVar aggregate classification (germline): Uncertain significance (1 of 4 stars; one submission).

Allele frequency attached by ClinVar (database versions not stated): ExAC 0.00001; gnomAD exomes 0.00001.

Submission:

Labcorp Genetics (formerly Invitae), Labcorp
Classification: Uncertain significance. Last evaluated: 2022-03-24. Review status: criteria provided, single submitter. Criteria: Invitae Variant Classification Sherloc (09022015). Collection method: clinical testing. Allele origin: germline.
Comment: In summary, the available evidence is currently insufficient to determine the role of this variant in disease. Therefore, it has been classified as a Variant of Uncertain Significance. Algorithms developed to predict the effect of missense changes on protein structure and function are either unavailable or do not agree on the potential impact of this missense change (SIFT: "Deleterious"; PolyPhen-2: "Probably Damaging"; Align-GVGD: "Class C0"). This variant has not been reported in the literature in individuals affected with GRIA3-related conditions. This variant is present in population databases (rs750202196, gnomAD 0.005%). This sequence change replaces arginine, which is basic and polar, with histidine, which is basic and polar, at codon 322 of the GRIA3 protein (p.Arg322His).